The following is an entry in ClinVar:

NM_018847.4(KLHL9):c.436A>G (p.Ile146Val)

Gene: KLHL9 (kelch like family member 9; minus strand). Cytogenetic location: 9p21.3.
Variant type: single nucleotide variant.
Coding change: c.436A>G on transcript NM_018847.4 (MANE Select); coding-DNA position 436, A replaced by G.
Protein change: p.Ile146Val; replaces isoleucine 146 with valine.
Molecular consequence: missense variant.
Genome position (GRCh38, 1-based): chr9:21,334,424, T>C on the plus strand (A>G on the coding strand, the complement: KLHL9 is on the minus strand). VCF-style: chr9-21334424-T-C. GRCh37 (hg19) VCF-style: chr9-21334423-T-C.
Other names: short protein forms I146V.
Identifiers: ClinVar variation 1898286 (VCV001898286.5), dbSNP rs763989941, ClinGen allele CA5010656.
Genomic context (GRCh38, chr9:21,334,424, plus strand): 5'-GATTGTAGGTGTTAGCAATTCGTCCAACCTCAACACAGTTATCCAAAGAGACTCCTGATA[T>C]AAGAAATACTTTACAGAAATCCAAAACGGGTAATATTTGTAAAAAGCTAGCAGCTTCAAG-3'
Protein context (NP_061335.1, residues 136-156): PVLDFCKVFL[Ile146Val]SGVSLDNCVE

ClinVar aggregate classification (germline): Uncertain significance (1 of 4 stars; one submission).

Allele frequency attached by ClinVar (database versions not stated): ExAC 0.00001; gnomAD exomes 0.00002; gnomAD 0.00003; TOPMed 0.00003.
gnomAD v4.1: 34 of 1,613,918 alleles (0.0021%); highest among the groups gnomAD compares: East Asian, 0.0045%; no homozygotes.

Submission:

Labcorp Genetics (formerly Invitae), Labcorp
Classification: Uncertain significance. Last evaluated: 2022-06-02. Review status: criteria provided, single submitter. Criteria: Invitae Variant Classification Sherloc (09022015). Collection method: clinical testing. Allele origin: germline.
Comment: This sequence change replaces isoleucine, which is neutral and non-polar, with valine, which is neutral and non-polar, at codon 146 of the KLHL9 protein (p.Ile146Val). This variant is present in population databases (rs763989941, gnomAD 0.005%). In summary, the available evidence is currently insufficient to determine the role of this variant in disease. Therefore, it has been classified as a Variant of Uncertain Significance. Algorithms developed to predict the effect of missense changes on protein structure and function are either unavailable or do not agree on the potential impact of this missense change (SIFT: "Not Available"; PolyPhen-2: "Benign"; Align-GVGD: "Not Available"). This variant has not been reported in the literature in individuals affected with KLHL9-related conditions.